The following is an entry in ClinVar:

NM_177438.3(DICER1):c.2656G>T (p.Asp886Tyr)

Gene: DICER1 (dicer 1, ribonuclease III; minus strand). Cytogenetic location: 14q32.13.
Variant type: single nucleotide variant.
Coding change: c.2656G>T on transcript NM_177438.3 (MANE Select); coding-DNA position 2656, G replaced by T.
Protein change: p.Asp886Tyr; replaces aspartic acid 886 with tyrosine.
Molecular consequence: missense variant. On other transcripts: non-coding transcript variant (6).
Genome position (GRCh38, 1-based): chr14:95,107,756, C>A on the plus strand (G>T on the coding strand, the complement: DICER1 is on the minus strand). VCF-style: chr14-95107756-C-A. GRCh37 (hg19) VCF-style: chr14-95574093-C-A.
Other names: c.2656G>T, p.Asp886Tyr (NM_001195573.1, NM_001271282.3, NM_001291628.2 and 13 more transcripts); c.2374G>T, p.Asp792Tyr (NM_001395686.1); c.2251G>T, p.Asp751Tyr (NM_001395687.1, NM_001395688.1, NM_001395689.1 and 2 more transcripts); c.2089G>T, p.Asp697Tyr (NM_001395691.1); c.973G>T, p.Asp325Tyr (NM_001395697.1); short protein forms D697Y, D325Y, D792Y, D751Y, D886Y.
Identifiers: ClinVar variation 1794386 (VCV001794386.3), dbSNP rs2140020654, ClinGen allele CA390880963.

ClinVar aggregate classification (germline): Uncertain significance (1 of 4 stars; one submission).

Conditions:
Hereditary cancer-predisposing syndrome. Also called: Tumor predisposition; Hereditary Cancer Syndrome; Neoplastic Syndromes, Hereditary; Hereditary neoplastic syndrome. Identifiers: Orphanet 140162, MedGen C0027672, MeSH D009386, MONDO:0015356.

Submission:

Ambry Genetics
Classification: Uncertain significance for Hereditary cancer-predisposing syndrome. Last evaluated: 2025-08-05. Review status: criteria provided, single submitter. Criteria: Ambry Variant Classification Scheme 2023. Collection method: clinical testing. Allele origin: germline.
Comment: The p.D886Y variant (also known as c.2656G>T), located in coding exon 16 of the DICER1 gene, results from a G to T substitution at nucleotide position 2656. The aspartic acid at codon 886 is replaced by tyrosine, an amino acid with highly dissimilar properties. This amino acid position is conserved. In addition, the in silico prediction for this alteration is inconclusive. Since supporting evidence is limited at this time, the clinical significance of this alteration remains unclear.